The following is an entry in ClinVar:

NM_000540.3(RYR1):c.12850G>C (p.Gly4284Arg)

Gene: RYR1 (ryanodine receptor 1; plus strand). Cytogenetic location: 19q13.2.
Variant type: single nucleotide variant.
Coding change: c.12850G>C on transcript NM_000540.3 (MANE Select); coding-DNA position 12850, G replaced by C.
Protein change: p.Gly4284Arg; replaces glycine 4284 with arginine.
Molecular consequence: missense variant.
Genome position (GRCh38, 1-based): chr19:38,565,184, G>C. VCF-style: chr19-38565184-G-C. GRCh37 (hg19) VCF-style: chr19-39055824-G-C.
Other names: c.12835G>C, p.Gly4279Arg (NM_001042723.2); short protein forms G4279R, G4284R.
Identifiers: ClinVar variation 3715981 (VCV003715981.3).

ClinVar aggregate classification (germline): Uncertain significance. Review status: criteria provided, multiple submitters, no conflicts (2 of 4 stars). 2 submissions from 2 submitters: Uncertain significance (2). Last evaluated 2026-05-23.

Conditions:
RYR1-related disorder. Also called: RYR1-related disorders; RYR1-related condition. Identifiers: MedGen CN239331.
Inborn genetic diseases. Identifiers: MedGen C0950123, MeSH D030342.

gnomAD v4.1: 1 of 1,118,920 alleles (0.000089%); no homozygotes.

Submissions (2):

Ambry Genetics
Classification: Uncertain significance for Inborn genetic diseases. Last evaluated: 2026-05-23. Review status: criteria provided, single submitter. Criteria: Ambry Variant Classification Scheme 2023. Collection method: clinical testing. Allele origin: germline.

Labcorp Genetics (formerly Invitae), Labcorp
Classification: Uncertain significance for RYR1-related disorder. Last evaluated: 2024-07-31. Review status: criteria provided, single submitter. Criteria: Invitae Variant Classification Sherloc (09022015). Collection method: clinical testing. Allele origin: germline.
Comment: This sequence change replaces glycine, which is neutral and non-polar, with arginine, which is basic and polar, at codon 4284 of the RYR1 protein (p.Gly4284Arg). This variant is not present in population databases (gnomAD no frequency). This variant has not been reported in the literature in individuals affected with RYR1-related conditions. Advanced modeling of protein sequence and biophysical properties (such as structural, functional, and spatial information, amino acid conservation, physicochemical variation, residue mobility, and thermodynamic stability) performed at Invitae indicates that this missense variant is not expected to disrupt RYR1 protein function with a negative predictive value of 95%. In summary, the available evidence is currently insufficient to determine the role of this variant in disease. Therefore, it has been classified as a Variant of Uncertain Significance.